The following is an entry in ClinVar:

NM_000512.5(GALNS):c.1450C>G (p.Pro484Ala)

Genes: GALNS (galactosamine (N-acetyl)-6-sulfatase; minus strand), LOC126862447 (CDK7 strongly-dependent group 2 enhancer GRCh37_chr16:88884193-88885392; plus strand). Cytogenetic location: 16q24.3.
Variant type: single nucleotide variant.
Coding change: c.1450C>G on transcript NM_000512.5 (MANE Select); coding-DNA position 1450, C replaced by G.
Protein change: p.Pro484Ala; replaces proline 484 with alanine.
Molecular consequence: missense variant.
Genome position (GRCh38, 1-based): chr16:88,818,039, G>C on the plus strand (C>G on the coding strand, the complement: GALNS is on the minus strand). VCF-style: chr16-88818039-G-C. GRCh37 (hg19) VCF-style: chr16-88884447-G-C.
Other names: c.895C>G, p.Pro299Ala (NM_001323543.2); c.1468C>G, p.Pro490Ala (NM_001323544.2); short protein forms P299A, P484A, P490A.
Identifiers: ClinVar variation 3366775 (VCV003366775.1).

ClinVar aggregate classification (germline): Uncertain significance (1 of 4 stars; one submission).

gnomAD v4.1: 1 of 1,582,322 alleles (0.000063%); no homozygotes.

Submission:

Women's Health and Genetics/Laboratory Corporation of America, LabCorp
Classification: Uncertain significance. Last evaluated: 2024-08-15. Review status: criteria provided, single submitter. Criteria: LabCorp Variant Classification Summary - May 2015. Collection method: clinical testing. Allele origin: germline.
Comment: Variant summary: GALNS c.1450C>G (p.Pro484Ala) results in a non-conservative amino acid change in the encoded protein sequence. Four of five in-silico tools predict a damaging effect of the variant on protein function. The variant was absent in 200542 control chromosomes. The available data on variant occurrences in the general population are insufficient to allow any conclusion about variant significance. To our knowledge, no occurrence of c.1450C>G in individuals affected with Mucopolysaccharidosis Type IVA (Morquio Syndrome A) and no experimental evidence demonstrating its impact on protein function have been reported. No submitters have cited clinical-significance assessments for this variant to ClinVar. Based on the evidence outlined above, the variant was classified as uncertain significance.